The following is an entry in ClinVar:

NM_001348716.2(KDM6B):c.445C>T (p.Arg149Ter)

Gene: KDM6B (lysine demethylase 6B; plus strand). Cytogenetic location: 17p13.1.
Variant type: single nucleotide variant.
Coding change: c.445C>T on transcript NM_001348716.2 (MANE Select); coding-DNA position 445, C replaced by T.
Protein change: p.Arg149Ter; replaces arginine 149 with a stop codon.
Molecular consequence: nonsense.
Genome position (GRCh38, 1-based): chr17:7,846,286, C>T. VCF-style: chr17-7846286-C-T. GRCh37 (hg19) VCF-style: chr17-7749604-C-T.
Other names: c.445C>T, p.Arg149Ter (NM_001080424.2); short protein forms R149*.
Identifiers: ClinVar variation 623266 (VCV000623266.33), dbSNP rs1419917079, ClinGen allele CA397912251.

ClinVar aggregate classification (germline): Conflicting classifications of pathogenicity. Review status: criteria provided, conflicting classifications (1 of 4 stars). 4 submissions from 4 submitters: Pathogenic (2); Uncertain significance (1). 1 of the submissions does not count toward it. Last evaluated 2025-12-12.

Conditions:
Neurodevelopmental disorder with coarse facies and mild distal skeletal abnormalities. Also called: STOLERMAN NEURODEVELOPMENTAL SYNDROME. Identifiers: MedGen C5193134, MONDO:0032790, OMIM 618505.

Allele frequency attached by ClinVar (database versions not stated): gnomAD exomes below 0.00001.

Submissions (4):

Variantyx, Inc.
Classification: Pathogenic for Neurodevelopmental disorder with coarse facies and mild distal skeletal abnormalities. Last evaluated: 2025-12-12. Review status: criteria provided, single submitter. Criteria: Variantyx Assertion Criteria 2022. Collection method: clinical testing. Allele origin: de novo. Inheritance: Autosomal dominant inheritance. Affected: yes.
Comment: This is a nonsense variant in the KDM6B gene (OMIM: 611577). Pathogenic variants in this gene have been associated with autosomal dominant Stolerman neurodevelopmental syndrome. This variant likely occurred de novo in individuals reported in the published literature; however, the possibility of parental germline mosaicism cannot be excluded (PMID: 31124279, 37196654) (PS2). This variant introduces a premature termination codon in exon 7 out of 24 and is expected to result in loss of function, which is a known disease mechanism for KDM6B in this disorder (PMID: 31124279) (PVS1). This variant is absent from control populations (PM2). Based on the current evidence, this variant is classified as pathogenic for autosomal dominant Stolerman neurodevelopmental syndrome.

Labcorp Genetics (formerly Invitae), Labcorp
Classification: Pathogenic. Last evaluated: 2021-08-17. Review status: criteria provided, single submitter. Criteria: Invitae Variant Classification Sherloc (09022015). Collection method: clinical testing. Allele origin: germline.
Comment: For these reasons, this variant has been classified as Pathogenic. ClinVar contains an entry for this variant (Variation ID: 623266). This premature translational stop signal has been observed in individual(s) with KDM6B-related neurodevelopmental disorder (PMID: 31124279). This variant is not present in population databases (ExAC no frequency). This sequence change creates a premature translational stop signal (p.Arg149*) in the KDM6B gene. It is expected to result in an absent or disrupted protein product. Loss-of-function variants in KDM6B are known to be pathogenic (PMID: 31124279).

Greenwood Genetic Center Diagnostic Laboratories, Greenwood Genetic Center
Classification: Uncertain significance. Last evaluated: 2018-12-05. Review status: criteria provided, single submitter. Criteria: ACMG Guidelines, 2015. Collection method: clinical testing. Allele origin: de novo.

Joint Genome Diagnostic Labs from Nijmegen and Maastricht, Radboudumc and MUMC+
Classification: Likely pathogenic for Neurodevelopmental disorder with coarse facies and mild distal skeletal abnormalities. Last evaluated: 2022-09-09. Review status: no assertion criteria provided. Collection method: research. Allele origin: de novo. Affected: yes. Not counted in ClinVar's aggregate classification.

Literature cited by the submitters: PubMed 31124279 (cited by Variantyx, Inc. and Labcorp Genetics (formerly Invitae), Labcorp); PubMed 37196654 (cited by Variantyx, Inc.).